The following is an entry in ClinVar:

ClinVar aggregate classification (germline): Uncertain significance (1 of 4 stars; one submission).

Submission:

Labcorp Genetics (formerly Invitae), Labcorp
Classification: Uncertain significance. Last evaluated: 2023-08-18. Review status: criteria provided, single submitter. Criteria: Invitae Variant Classification Sherloc (09022015). Collection method: clinical testing. Allele origin: germline.
Comment: In summary, the available evidence is currently insufficient to determine the role of this variant in disease. Therefore, it has been classified as a Variant of Uncertain Significance. Variants that disrupt the consensus splice site are a relatively common cause of aberrant splicing (PMID: 17576681, 9536098). Algorithms developed to predict the effect of sequence changes on RNA splicing suggest that this variant may disrupt the consensus splice site. This variant has not been reported in the literature in individuals affected with SCN3A-related conditions. This variant is not present in population databases (gnomAD no frequency). This sequence change falls in intron 4 of the SCN3A gene. It does not directly change the encoded amino acid sequence of the SCN3A protein. It affects a nucleotide within the consensus splice site.

Literature cited by the submitters: PubMed 17576681; PubMed 9536098.

NM_006922.4(SCN3A):c.383+6C>G

Gene: SCN3A (sodium voltage-gated channel alpha subunit 3; minus strand). Cytogenetic location: 2q24.3.
Variant type: single nucleotide variant.
Coding change: c.383+6C>G on transcript NM_006922.4 (MANE Select); 6 bases into the intron after coding-DNA position 383, C replaced by G.
Molecular consequence: intron variant.
Genome position (GRCh38, 1-based): chr2:165,170,424, G>C on the plus strand (C>G on the coding strand, the complement: SCN3A is on the minus strand). VCF-style: chr2-165170424-G-C. GRCh37 (hg19) VCF-style: chr2-166026934-G-C.
Other names: c.383+6C>G (NM_001081676.2, NM_001081677.2).
Identifiers: ClinVar variation 2801705 (VCV002801705.3), dbSNP rs2468530128, ClinGen allele CA2739271526.
Genomic context (GRCh38, chr2:165,170,424, plus strand): 5'-AACTGACATTTTCTTTAAAATCAACTGTTAGAAATAGCATTTAGGCAATTCACATTAAAA[G>C]GATATGAATGTACCAAAATCTTGATAGCAATTTTCCTAACAGGGTTTAGTGGAGTTAAAA-3'